The following is an entry in ClinVar:

NM_003070.5(SMARCA2):c.4185A>G (p.Ile1395Met)

Gene: SMARCA2 (SWI/SNF related BAF chromatin remodeling complex subunit ATPase 2; plus strand). Cytogenetic location: 9p24.3.
Variant type: single nucleotide variant.
Coding change: c.4185A>G on transcript NM_003070.5 (MANE Select); coding-DNA position 4185, A replaced by G.
Protein change: p.Ile1395Met; replaces isoleucine 1395 with methionine.
Molecular consequence: missense variant.
Genome position (GRCh38, 1-based): chr9:2,161,889, A>G. VCF-style: chr9-2161889-A-G. GRCh37 (hg19) VCF-style: chr9-2161889-A-G.
Other names: c.4185A>G, p.Ile1395Met (NM_001289396.2, NM_139045.4); c.4011A>G, p.Ile1337Met (NM_001289397.2); c.213A>G, p.Ile71Met (NM_001289398.2); c.297A>G, p.Ile99Met (NM_001289399.2); c.303A>G, p.Ile101Met (NM_001289400.2); short protein forms I101M, I1337M, I1395M, I71M, I99M.
Identifiers: ClinVar variation 3252970 (VCV003252970.1), dbSNP rs2537508173.

ClinVar aggregate classification (germline): Uncertain significance (1 of 4 stars; one submission).

Allele frequency attached by ClinVar (database versions not stated): gnomAD exomes below 0.00001.

Submission:

GeneDx
Classification: Uncertain significance. Last evaluated: 2023-12-09. Review status: criteria provided, single submitter. Criteria: GeneDx Variant Classification Process June 2021. Collection method: clinical testing. Allele origin: germline. Affected: yes.
Comment: Not observed at significant frequency in large population cohorts (gnomAD); In silico analysis supports that this missense variant does not alter protein structure/function; Has not been previously published as pathogenic or benign to our knowledge